The following is an entry in ClinVar:

NM_032383.5(HPS3):c.2567del (p.Thr856fs)

Genes: CP (ceruloplasmin; minus strand), HPS3 (HPS3 biogenesis of lysosomal organelles complex 2 subunit 1; plus strand). Cytogenetic location: 3q24.
Variant type: Deletion.
Coding change: c.2567del on transcript NM_032383.5 (MANE Select); coding-DNA position 2567, one base deleted (C; older notation c.2567delC).
Protein change: p.Thr856fs; shifts the reading frame from threonine 856.
Molecular consequence: frameshift variant.
Genome position (GRCh38, 1-based): chr3:149,163,927, C deleted. VCF-style (leftmost placement, unchanged base first): chr3-149163926-AC-A. GRCh37 (hg19) VCF-style: chr3-148881713-AC-A.
Other names: c.2072del, p.Thr691fs (NM_001308258.2); short protein forms T691fs, T856fs.
Identifiers: ClinVar variation 5015758 (VCV005015758.1).
Genomic context (GRCh38, chr3:149,163,926, plus strand): 5'-TTAATTTATCCATGGGTTCACGTCGTAATATCATCTGATTCTTTAGCTGATAAAAATTAT[AC>A]AGAAGATCTTTCAAAATTACAGGTAAGTAAAAATACCTCCTTTTCTTATGAAATTGCATA-3'

ClinVar aggregate classification (germline): Pathogenic (1 of 4 stars; one submission).

Conditions:
Hermansky-Pudlak syndrome 3 (HPS3). Identifiers: Orphanet 231512, Orphanet 79430, MedGen C3888001, MONDO:0013555, OMIM 614072.

Submission:

Myriad Genetics, Inc.
Classification: Pathogenic for Hermansky-Pudlak syndrome 3. Last evaluated: 2026-04-02. Review status: criteria provided, single submitter. Criteria: Myriad Autosomal Dominant, Autosomal Recessive and X-Linked Classification Criteria (2023). Collection method: clinical testing. Allele origin: unknown.
Comment: NM_032383.3(HPS3):c.2567delC(T856Kfs*18) is expected to be pathogenic in the context of Hermansky-Pudlak syndrome, HPS3-related. This variant is predicted to lead to an abnormal or absent protein product due to the creation of a premature termination codon in HPS3, a gene where loss-of-function variants are known to be pathogenic. Please note: this variant was assessed in the context of healthy population screening.